The following is an entry in ClinVar:

NM_001256545.2(MEGF10):c.706C>A (p.Gln236Lys)

Gene: MEGF10 (multiple EGF like domains 10; plus strand). Cytogenetic location: 5q23.2.
Variant type: single nucleotide variant.
Coding change: c.706C>A on transcript NM_001256545.2 (MANE Select); coding-DNA position 706, C replaced by A.
Protein change: p.Gln236Lys; replaces glutamine 236 with lysine.
Molecular consequence: missense variant.
Genome position (GRCh38, 1-based): chr5:127,398,722, C>A. VCF-style: chr5-127398722-C-A. GRCh37 (hg19) VCF-style: chr5-126734414-C-A.
Other names: c.706C>A, p.Gln236Lys (NM_001308119.2, NM_001308121.2, NM_032446.3); short protein forms Q236K.
Identifiers: ClinVar variation 1938304 (VCV001938304.5), dbSNP rs2479636614, ClinGen allele CA360720755.

ClinVar aggregate classification (germline): Uncertain significance (1 of 4 stars; one submission).

Conditions:
MEGF10-related myopathy (CMYO10A). Also called: Congenital myopathy 10A, severe variant. Identifiers: Orphanet 439212, MedGen C3280679, MONDO:0013731, OMIM 614399.

Submission:

Labcorp Genetics (formerly Invitae), Labcorp
Classification: Uncertain significance for MEGF10-related myopathy. Last evaluated: 2022-03-22. Review status: criteria provided, single submitter. Criteria: Invitae Variant Classification Sherloc (09022015). Collection method: clinical testing. Allele origin: germline.
Comment: This variant has not been reported in the literature in individuals affected with MEGF10-related conditions. This variant is not present in population databases (gnomAD no frequency). This sequence change replaces glutamine, which is neutral and polar, with lysine, which is basic and polar, at codon 236 of the MEGF10 protein (p.Gln236Lys). Algorithms developed to predict the effect of missense changes on protein structure and function are either unavailable or do not agree on the potential impact of this missense change (SIFT: "Deleterious"; PolyPhen-2: "Benign"; Align-GVGD: "Class C15"). In summary, the available evidence is currently insufficient to determine the role of this variant in disease. Therefore, it has been classified as a Variant of Uncertain Significance.